The following is an entry in ClinVar:

ClinVar aggregate classification (germline): Uncertain significance (1 of 4 stars; one submission).

Conditions:
Trichorhinophalangeal syndrome, type III (TRPS3). Also called: SUGIO-KAJII SYNDROME. Identifiers: Orphanet 77258, MedGen C1860823, OMIM 190351, MONDO:0008597.
Trichorhinophalangeal dysplasia type I (TRPS1). Also called: TRICHORHINOPHALANGEAL SYNDROME, TYPE I; TRPS I. Identifiers: Orphanet 77258, MedGen C0432233, MONDO:0008596, OMIM 190350.

Submission:

Labcorp Genetics (formerly Invitae), Labcorp
Classification: Uncertain significance for Trichorhinophalangeal syndrome, type III; Trichorhinophalangeal dysplasia type I. Last evaluated: 2021-10-13. Review status: criteria provided, single submitter. Criteria: Invitae Variant Classification Sherloc (09022015). Collection method: clinical testing. Allele origin: germline.
Comment: In summary, the available evidence is currently insufficient to determine the role of this variant in disease. Therefore, it has been classified as a Variant of Uncertain Significance. This sequence change replaces histidine with proline at codon 1250 of the TRPS1 protein (p.His1250Pro). The histidine residue is moderately conserved and there is a moderate physicochemical difference between histidine and proline. This variant is not present in population databases (ExAC no frequency). This missense change has been observed in individual(s) with trichorhinophalangeal syndrome (Invitae). Algorithms developed to predict the effect of missense changes on protein structure and function are either unavailable or do not agree on the potential impact of this missense change (SIFT: "Deleterious"; PolyPhen-2: "Probably Damaging"; Align-GVGD: "Class C0").

NM_014112.5(TRPS1):c.3749A>C (p.His1250Pro)

Gene: TRPS1 (transcriptional repressor GATA binding 1; minus strand). Cytogenetic location: 8q23.3.
Variant type: single nucleotide variant.
Coding change: c.3749A>C on transcript NM_014112.5 (MANE Select); coding-DNA position 3749, A replaced by C.
Protein change: p.His1250Pro; replaces histidine 1250 with proline.
Molecular consequence: missense variant.
Genome position (GRCh38, 1-based): chr8:115,414,159, T>G on the plus strand (A>C on the coding strand, the complement: TRPS1 is on the minus strand). VCF-style: chr8-115414159-T-G. GRCh37 (hg19) VCF-style: chr8-116426387-T-G.
Other names: c.3722A>C, p.His1241Pro (NM_001282902.3); c.3728A>C, p.His1243Pro (NM_001282903.3); c.3710A>C, p.His1237Pro (NM_001330599.2); short protein forms H1243P, H1241P, H1250P, H1237P.
Identifiers: ClinVar variation 1386658 (VCV001386658.6), dbSNP rs2129745482, ClinGen allele CA372062065.